The following is an entry in ClinVar:

ClinVar aggregate classification (germline): Conflicting classifications of pathogenicity. Review status: criteria provided, conflicting classifications (1 of 4 stars). 2 submissions from 2 submitters: Uncertain significance (1); Benign (1). Last evaluated 2019-08-29.

Conditions:
Carney complex - trismus - pseudocamptodactyly syndrome. Identifiers: Orphanet 319340, MedGen C1837245, MONDO:0012137, OMIM 608837.

Allele frequency attached by ClinVar (database versions not stated): ESP Exome Variant Server 0.00008; gnomAD exomes 0.00015 and 0.00044; ExAC 0.00017; TOPMed 0.00017; gnomAD 0.00021 and 0.00024.

Submissions (2):

Centre for Mendelian Genomics, University Medical Centre Ljubljana
Classification: Benign for Carney complex - trismus - pseudocamptodactyly syndrome. Last evaluated: 2019-08-29. Review status: criteria provided, single submitter. Criteria: ACMG Guidelines, 2015. Collection method: clinical testing. Allele origin: unknown. Affected: yes.
Comment: This variant was classified as: Benign. The following ACMG criteria were applied in classifying this variant: BS1,BS2.

Eurofins Ntd Llc (ga)
Classification: Uncertain significance. Last evaluated: 2017-03-23. Review status: criteria provided, single submitter. Criteria: EGL Classification Definitions 2015. Collection method: clinical testing. Allele origin: germline.

NM_002472.3(MYH8):c.3320del (p.Leu1107fs)

Genes: MYHAS (myosin heavy chain gene cluster antisense RNA; plus strand), MYH8 (myosin heavy chain 8; minus strand), LOC126862494 (BRD4-independent group 4 enhancer GRCh37_chr17:10303826-10305025; plus strand). Cytogenetic location: 17p13.1.
Variant type: Deletion.
Coding change: c.3320del on transcript NM_002472.3 (MANE Select); coding-DNA position 3320, one base deleted (T; older notation c.3320delT).
Protein change: p.Leu1107fs; shifts the reading frame from leucine 1107.
Molecular consequence: frameshift variant.
Genome position (GRCh38, 1-based): chr17:10,400,894, A deleted on the plus strand (T on the coding strand, the reverse complement: MYH8 is on the minus strand). VCF-style (leftmost placement, unchanged base first): chr17-10400893-TA-T. GRCh37 (hg19) VCF-style: chr17-10304210-TA-T.
Other names: c.3320delT (NM_002472.2); short protein forms L1107fs.
Identifiers: ClinVar variation 397646 (VCV000397646.13), dbSNP rs751871946, ClinGen allele CA8387544.